The following is an entry in ClinVar:

NM_144997.7(FLCN):c.1540A>T (p.Lys514Ter)

Gene: FLCN (folliculin; minus strand). Cytogenetic location: 17p11.2.
Variant type: single nucleotide variant.
Coding change: c.1540A>T on transcript NM_144997.7 (MANE Select); coding-DNA position 1540, A replaced by T.
Protein change: p.Lys514Ter; replaces lysine 514 with a stop codon.
Molecular consequence: nonsense.
Genome position (GRCh38, 1-based): chr17:17,213,855, T>A on the plus strand (A>T on the coding strand, the complement: FLCN is on the minus strand). VCF-style: chr17-17213855-T-A. GRCh37 (hg19) VCF-style: chr17-17117169-T-A.
Other names: c.1540A>T (LRG_325t1); c.1594A>T, p.Lys532Ter (NM_001353229.2); c.1540A>T, p.Lys514Ter (NM_001353230.2, NM_001353231.2); short protein forms K514*, K532*.
Identifiers: ClinVar variation 280238 (VCV000280238.2), dbSNP rs886041478, ClinGen allele CA10603293.

ClinVar aggregate classification (germline): Pathogenic (1 of 4 stars; one submission).

Submission:

GeneDx
Classification: Pathogenic. Last evaluated: 2016-08-08. Review status: criteria provided, single submitter. Criteria: GeneDx Variant Classification (06012015). Collection method: clinical testing. Allele origin: germline. Affected: yes.
Comment: The K514X nonsense variant in the FLCN gene has not been reported previously as a pathogenic variant, nor as a benign variant, to our knowledge. This variant is predicted to cause loss of normal protein function through protein truncation. Based on currently available evidence, we consider K514X to be pathogenic.